The following is an entry in ClinVar:

NM_144773.4(PROKR2):c.537G>A (p.Met179Ile)

Gene: PROKR2 (prokineticin receptor 2; minus strand). Cytogenetic location: 20p12.3.
Variant type: single nucleotide variant.
Coding change: c.537G>A on transcript NM_144773.4 (MANE Select); coding-DNA position 537, G replaced by A.
Protein change: p.Met179Ile; replaces methionine 179 with isoleucine.
Molecular consequence: missense variant.
Genome position (GRCh38, 1-based): chr20:5,302,658, C>T on the plus strand (G>A on the coding strand, the complement: PROKR2 is on the minus strand). VCF-style: chr20-5302658-C-T. GRCh37 (hg19) VCF-style: chr20-5283304-C-T.
Other names: short protein forms M179I.
Identifiers: ClinVar variation 1306542 (VCV001306542.5), dbSNP rs770233566, ClinGen allele CA9754321.
Genomic context (GRCh38, chr20:5,302,658, plus strand): 5'-AATAAAGAGGACCGTTTCTGTTGCAAAGTAAGCCGATGGGATGGCAATGAGAATGGACAC[C>T]ATCCAGACCAAGGCGATCAGGAAGGAGGCCGTTTGATAATTCATCCGTGGTTTCAAGGGG-3'
Protein context (NP_658986.1, residues 169-189): TASFLIALVW[Met179Ile]VSILIAIPSA

ClinVar aggregate classification (germline): Uncertain significance. Review status: criteria provided, multiple submitters, no conflicts (2 of 4 stars). 3 submissions from 3 submitters: Uncertain significance (3). Last evaluated 2025-11-20.

Conditions:
Inborn genetic diseases. Identifiers: MedGen C0950123, MeSH D030342.
Hypogonadotropic hypogonadism 3 with or without anosmia (HH3). Also called: HYPOGONADOTROPIC HYPOGONADISM 3 WITH ANOSMIA; PROKR2-Related GnRH Deficiency (Kallmann Syndrome 3). Identifiers: Orphanet 478, MedGen C3550478, MONDO:0009482, OMIM 244200.

Allele frequency attached by ClinVar (database versions not stated): gnomAD exomes below 0.00001; ExAC 0.00001; gnomAD 0.00002; TOPMed 0.00006.

Submissions (3):

Ambry Genetics
Classification: Uncertain significance for Inborn genetic diseases. Last evaluated: 2025-11-20. Review status: criteria provided, single submitter. Criteria: Ambry Variant Classification Scheme 2023. Collection method: clinical testing. Allele origin: germline.

GeneDx
Classification: Uncertain significance. Last evaluated: 2024-08-12. Review status: criteria provided, single submitter. Criteria: GeneDx Variant Classification Process June 2021. Collection method: clinical testing. Allele origin: germline. Affected: yes.
Comment: Not observed at significant frequency in large population cohorts (gnomAD); In silico analysis indicates that this missense variant does not alter protein structure/function; Has not been previously published as pathogenic or benign to our knowledge

Fulgent Genetics
Classification: Uncertain significance for Hypogonadotropic hypogonadism 3 with or without anosmia. Last evaluated: 2022-01-09. Review status: criteria provided, single submitter. Criteria: ACMG Guidelines, 2015. Collection method: clinical testing. Allele origin: unknown.